The following is an entry in ClinVar:

ClinVar aggregate classification (germline): Uncertain significance. Review status: criteria provided, multiple submitters, no conflicts (2 of 4 stars). 8 submissions from 8 submitters: Uncertain significance (7). 1 of the submissions does not count toward it. Last evaluated 2026-06-08.

Conditions:
Cardiovascular phenotype. Identifiers: MedGen CN230736.
Glycogen storage disease, type II (IOPD). Also called: Pompe Disease; POMPE DISEASE, INFANTILE-ONSET; GLYCOGEN STORAGE DISEASE II, INFANTILE-ONSET; ACID ALPHA-GLUCOSIDASE DEFICIENCY, INFANTILE-ONSET; GAA DEFICIENCY, INFANTILE-ONSET; ACID MALTASE DEFICIENCY, INFANTILE-ONSET. Identifiers: Orphanet 365, MedGen C0017921, MONDO:0009290, OMIM 232300.

Allele frequency attached by ClinVar (database versions not stated): gnomAD exomes 0.00005 and 0.00015; gnomAD 0.00013 and 0.00011; ExAC 0.00005; TOPMed 0.00009; ESP Exome Variant Server 0.00016.
gnomAD v4.1: 233 of 1,602,434 alleles (0.015%); highest among the groups gnomAD compares: Non-Finnish European, 0.018%; no homozygotes.

Submissions (8):

Ambry Genetics
Classification: Uncertain significance for Cardiovascular phenotype. Last evaluated: 2026-06-08. Review status: criteria provided, single submitter. Criteria: Ambry Variant Classification Scheme 2023. Collection method: clinical testing. Allele origin: germline.
Comment: The c.546+3G>A intronic variant results from a G to A substitution 3 nucleotides after coding exon 1 in the GAA gene. This nucleotide position is not well conserved in available vertebrate species. In silico splice site analysis predicts that this alteration will not have any significant effect on splicing. Based on the available evidence, the clinical significance of this variant remains unclear.

Labcorp Genetics (formerly Invitae), Labcorp
Classification: Uncertain significance for Glycogen storage disease, type II. Last evaluated: 2024-12-02. Review status: criteria provided, single submitter. Criteria: Invitae Variant Classification Sherloc (09022015). Collection method: clinical testing. Allele origin: germline.
Comment: This sequence change falls in intron 2 of the GAA gene. It does not directly change the encoded amino acid sequence of the GAA protein. It affects a nucleotide within the consensus splice site. This variant is present in population databases (rs371405931, gnomAD 0.009%). This variant has not been reported in the literature in individuals affected with GAA-related conditions. ClinVar contains an entry for this variant (Variation ID: 285456). Variants that disrupt the consensus splice site are a relatively common cause of aberrant splicing (PMID: 17576681, 9536098). Algorithms developed to predict the effect of sequence changes on RNA splicing suggest that this variant is not likely to affect RNA splicing. In summary, the available evidence is currently insufficient to determine the role of this variant in disease. Therefore, it has been classified as a Variant of Uncertain Significance.

Revvity Omics, Revvity
Classification: Uncertain significance. Last evaluated: 2024-07-16. Review status: criteria provided, single submitter. Criteria: ACMG Guidelines, 2015. Collection method: clinical testing. Allele origin: germline.

Women's Health and Genetics/Laboratory Corporation of America, LabCorp
Classification: Uncertain significance. Last evaluated: 2024-05-13. Review status: criteria provided, single submitter. Criteria: LabCorp Variant Classification Summary - May 2015. Collection method: clinical testing. Allele origin: germline.

Genome-Nilou Lab
Classification: Uncertain significance for Glycogen storage disease, type II. Last evaluated: 2021-09-05. Review status: criteria provided, single submitter. Criteria: ACMG Guidelines, 2015. Collection method: clinical testing. Allele origin: germline. Affected: no.

Eurofins Ntd Llc (ga)
Classification: Uncertain significance. Last evaluated: 2018-02-13. Review status: criteria provided, single submitter. Criteria: EGL ClinVar v180209 classification definitions. Collection method: clinical testing. Allele origin: germline. Observed: 2 variant alleles, 2 heterozygotes.

Illumina Laboratory Services, Illumina
Classification: Uncertain significance for Glycogen storage disease, type II. Last evaluated: 2018-01-13. Review status: criteria provided, single submitter. Criteria: ICSL Variant Classification Criteria 13 December 2019. Collection method: clinical testing. Allele origin: germline.

Natera, Inc.
Classification: Uncertain significance for Glycogen storage disease type II. Last evaluated: 2020-01-24. Review status: no assertion criteria provided. Collection method: clinical testing. Allele origin: germline. Not counted in ClinVar's aggregate classification.

Literature cited by the submitters: PubMed 17576681 (cited by Labcorp Genetics (formerly Invitae), Labcorp); PubMed 9536098 (cited by Labcorp Genetics (formerly Invitae), Labcorp).

NM_000152.5(GAA):c.546+3G>A

Gene: GAA (alpha glucosidase; plus strand). Cytogenetic location: 17q25.3.
Variant type: single nucleotide variant.
Coding change: c.546+3G>A on transcript NM_000152.5 (MANE Select); 3 bases into the intron after coding-DNA position 546, G replaced by A.
Molecular consequence: intron variant.
Genome position (GRCh38, 1-based): chr17:80,105,135, G>A. VCF-style: chr17-80105135-G-A. GRCh37 (hg19) VCF-style: chr17-78078934-G-A.
Other names: c.546+3G>A (LRG_673t1, NM_001079803.3, NM_001079804.3).
Identifiers: ClinVar variation 285456 (VCV000285456.20), dbSNP rs371405931, ClinGen allele CA8814898.